The following is an entry in ClinVar:

NM_080632.3(UPF3B):c.181A>G (p.Thr61Ala)

Gene: UPF3B (UPF3B regulator of nonsense mediated mRNA decay; minus strand). Cytogenetic location: Xq24.
Variant type: single nucleotide variant.
Coding change: c.181A>G on transcript NM_080632.3 (MANE Select); coding-DNA position 181, A replaced by G.
Protein change: p.Thr61Ala; replaces threonine 61 with alanine.
Molecular consequence: missense variant.
Genome position (GRCh38, 1-based): chrX:119,851,849, T>C on the plus strand (A>G on the coding strand, the complement: UPF3B is on the minus strand). VCF-style: chrX-119851849-T-C. GRCh37 (hg19) VCF-style: chrX-118985812-T-C.
Other names: c.181A>G, p.Thr61Ala (NM_023010.4); short protein forms T61A.
Identifiers: ClinVar variation 2913426 (VCV002913426.3), dbSNP rs1340487954, ClinGen allele CA414185662.
Genomic context (GRCh38, chrX:119,851,849, plus strand): 5'-CAAAATAATCATGCTCAGGCATAGGTTGAAGATGTTCCTGAAGCTGCTCCTTGGTCAAAG[T>C]GGGAGGTAATCTTCGAATTACCACCTTAAGAAATGCATAAGGAAAATAAAATTAGTACAA-3'
Protein context (NP_542199.1, residues 51-71): SKVVIRRLPP[Thr61Ala]LTKEQLQEHL

ClinVar aggregate classification (germline): Uncertain significance (1 of 4 stars; one submission).

Conditions:
Intellectual developmental disorder, X-linked, syndromic 14. Also called: Syndromic X-linked intellectual disability 14. Identifiers: Orphanet 776, MedGen C1970822, MONDO:0010398, OMIM 300676.

Allele frequency attached by ClinVar (database versions not stated): gnomAD exomes below 0.00001.
gnomAD v4.1: 1 of 1,195,543 alleles (0.000084%); highest among the groups gnomAD compares: Admixed American, 0.0022%; no homozygotes.

Submission:

Labcorp Genetics (formerly Invitae), Labcorp
Classification: Uncertain significance for Intellectual developmental disorder, X-linked, syndromic 14. Last evaluated: 2023-10-17. Review status: criteria provided, single submitter. Criteria: Invitae Variant Classification Sherloc (09022015). Collection method: clinical testing. Allele origin: germline.
Comment: This sequence change replaces threonine, which is neutral and polar, with alanine, which is neutral and non-polar, at codon 61 of the UPF3B protein (p.Thr61Ala). This variant is present in population databases (no rsID available, gnomAD 0.004%). This variant has not been reported in the literature in individuals affected with UPF3B-related conditions. Advanced modeling of protein sequence and biophysical properties (such as structural, functional, and spatial information, amino acid conservation, physicochemical variation, residue mobility, and thermodynamic stability) performed at Invitae indicates that this missense variant is not expected to disrupt UPF3B protein function. In summary, the available evidence is currently insufficient to determine the role of this variant in disease. Therefore, it has been classified as a Variant of Uncertain Significance.